The following is an entry in ClinVar:

ClinVar aggregate classification (germline): Uncertain significance. Review status: criteria provided, multiple submitters, no conflicts (2 of 4 stars). 5 submissions from 5 submitters: Uncertain significance (4). 1 of the submissions does not count toward it. Last evaluated 2025-12-21.

Conditions:
LRP2-related disorder. Also called: LRP2-related condition.
Donnai-Barrow syndrome. Also called: DBS/FOAR SYNDROME; FACIOOCULOACOUSTICORENAL SYNDROME. Identifiers: Orphanet 2143, MedGen C1857277, MONDO:0009104, OMIM 222448.

Allele frequency attached by ClinVar (database versions not stated): ExAC 0.00002; gnomAD exomes 0.00003 and 0.00012; gnomAD 0.00006; TOPMed 0.00006.
gnomAD v4.1: 179 of 1,614,030 alleles (0.011%); highest among the groups gnomAD compares: Non-Finnish European, 0.014%; no homozygotes.

Submissions (5):

Labcorp Genetics (formerly Invitae), Labcorp
Classification: Uncertain significance. Last evaluated: 2025-12-21. Review status: criteria provided, single submitter. Criteria: Invitae Variant Classification Sherloc (09022015). Collection method: clinical testing. Allele origin: germline.
Comment: This sequence change replaces arginine, which is basic and polar, with lysine, which is basic and polar, at codon 2324 of the LRP2 protein (p.Arg2324Lys). This variant is present in population databases (rs747507071, gnomAD 0.004%). This variant has not been reported in the literature in individuals affected with LRP2-related conditions. ClinVar contains an entry for this variant (Variation ID: 893511). Invitae Evidence Modeling of protein sequence and biophysical properties (such as structural, functional, and spatial information, amino acid conservation, physicochemical variation, residue mobility, and thermodynamic stability) indicates that this missense variant is not expected to disrupt LRP2 protein function with a negative predictive value of 95%. In summary, the available evidence is currently insufficient to determine the role of this variant in disease. Therefore, it has been classified as a Variant of Uncertain Significance.

Myriad Genetics, Inc.
Classification: Uncertain significance for Donnai-Barrow syndrome. Last evaluated: 2025-08-19. Review status: criteria provided, single submitter. Criteria: Myriad Autosomal Dominant, Autosomal Recessive and X-Linked Classification Criteria (2023). Collection method: clinical testing. Allele origin: unknown.
Comment: NM_004525.2(LRP2):c.6971G>A(R2324K) is a missense variant classified as a variant of uncertain significance in the context of Donnai-Barrow syndrome. R2324K has not been observed in cases with relevant disease. Relevant functional assessments of this variant are not available in the literature. R2324K has been observed in referenced population frequency databases. In summary, there is insufficient evidence to classify NM_004525.2(LRP2):c.6971G>A(R2324K) as pathogenic or benign. Please note: this variant was assessed in the context of healthy population screening.

Blueprint Genetics
Classification: Uncertain significance. Last evaluated: 2023-10-20. Review status: criteria provided, single submitter. Criteria: ACMG Guidelines, 2015. Collection method: clinical testing. Allele origin: germline.

Illumina Laboratory Services, Illumina
Classification: Uncertain significance for Donnai-Barrow syndrome. Last evaluated: 2018-01-13. Review status: criteria provided, single submitter. Criteria: ICSL Variant Classification Criteria 13 December 2019. Collection method: clinical testing. Allele origin: germline.

PreventionGenetics, part of Exact Sciences
Classification: Uncertain significance for LRP2-related condition. Last evaluated: 2024-03-24. Review status: no assertion criteria provided. Collection method: clinical testing. Allele origin: germline. Not counted in ClinVar's aggregate classification.
Comment: The LRP2 c.6971G>A variant is predicted to result in the amino acid substitution p.Arg2324Lys. To our knowledge, this variant has not been reported in the literature. This variant is reported in 0.0040% of alleles in individuals of African descent in gnomAD. At this time, the clinical significance of this variant is uncertain due to the absence of conclusive functional and genetic evidence.

NM_004525.3(LRP2):c.6971G>A (p.Arg2324Lys)

Gene: LRP2 (LDL receptor related protein 2; minus strand). Cytogenetic location: 2q31.1.
Variant type: single nucleotide variant.
Coding change: c.6971G>A on transcript NM_004525.3 (MANE Select); coding-DNA position 6971, G replaced by A.
Protein change: p.Arg2324Lys; replaces arginine 2324 with lysine.
Molecular consequence: missense variant.
Genome position (GRCh38, 1-based): chr2:169,206,749, C>T on the plus strand (G>A on the coding strand, the complement: LRP2 is on the minus strand). VCF-style: chr2-169206749-C-T. GRCh37 (hg19) VCF-style: chr2-170063259-C-T.
Other names: short protein forms R2324K.
Identifiers: ClinVar variation 893511 (VCV000893511.10), dbSNP rs747507071, ClinGen allele CA1954186.